The following is an entry in ClinVar:

ClinVar aggregate classification (germline): Uncertain significance (1 of 4 stars; one submission).

Allele frequency attached by ClinVar (database versions not stated): gnomAD exomes below 0.00001.
gnomAD v4.1: 4 of 1,612,278 alleles (0.00025%); highest among the groups gnomAD compares: Non-Finnish European, 0.00034%; no homozygotes.

Submission:

Ambry Genetics
Classification: Uncertain significance. Last evaluated: 2024-03-14. Review status: criteria provided, single submitter. Criteria: Ambry Variant Classification Scheme 2023. Collection method: clinical testing. Allele origin: germline.
Comment: The p.E208G variant (also known as c.623A>G), located in coding exon 8 of the BUB1 gene, results from an A to G substitution at nucleotide position 623. The glutamic acid at codon 208 is replaced by glycine, an amino acid with similar properties. This amino acid position is conserved. In addition, this alteration is predicted to be tolerated by in silico analysis. Since supporting evidence is limited at this time, the clinical significance of this alteration remains unclear.

NM_004336.5(BUB1):c.623A>G (p.Glu208Gly)

Gene: BUB1 (BUB1 mitotic checkpoint serine/threonine kinase; minus strand). Cytogenetic location: 2q13.
Variant type: single nucleotide variant.
Coding change: c.623A>G on transcript NM_004336.5 (MANE Select); coding-DNA position 623, A replaced by G.
Protein change: p.Glu208Gly; replaces glutamic acid 208 with glycine.
Molecular consequence: missense variant.
Genome position (GRCh38, 1-based): chr2:110,667,703, T>C on the plus strand (A>G on the coding strand, the complement: BUB1 is on the minus strand). VCF-style: chr2-110667703-T-C. GRCh37 (hg19) VCF-style: chr2-111425280-T-C.
Other names: c.563A>G, p.Glu188Gly (NM_001278616.2); c.623A>G, p.Glu208Gly (NM_001278617.2); short protein forms E208G, E188G.
Identifiers: ClinVar variation 1752371 (VCV001752371.2), dbSNP rs1574332918, ClinGen allele CA348218124.
Genomic context (GRCh38, chr2:110,667,703, plus strand): 5'-TTGGATGCCAAAGATGAGTGCACAGAATATTCTGATTTAGAAATCGTGATCACTCTTCGT[T>C]CCCTACAATGGGGGAAAATACATTATTTACAACAATGTACCTAAGAGCACTTAAAGGAAA-3'
Protein context (NP_004327.1, residues 198-218): SSACDKESNM[Glu208Gly]RRVITISKSE